The following is an entry in ClinVar:

NM_001291303.3(FAT4):c.13247T>A (p.Leu4416Gln)

Gene: FAT4 (FAT atypical cadherin 4; plus strand). Cytogenetic location: 4q28.1.
Variant type: single nucleotide variant.
Coding change: c.13247T>A on transcript NM_001291303.3 (MANE Select); coding-DNA position 13247, T replaced by A.
Protein change: p.Leu4416Gln; replaces leucine 4416 with glutamine.
Molecular consequence: missense variant.
Genome position (GRCh38, 1-based): chr4:125,490,063, T>A. VCF-style: chr4-125490063-T-A. GRCh37 (hg19) VCF-style: chr4-126411218-T-A.
Other names: c.13244T>A, p.Leu4415Gln (NM_001291285.3); c.13241T>A, p.Leu4414Gln (NM_024582.6); c.13241T>A (NM_024582.5); short protein forms L4414Q, L4415Q, L4416Q.
Identifiers: ClinVar variation 2672197 (VCV002672197.2), dbSNP rs371445183, ClinGen allele CA3074334.

ClinVar aggregate classification (germline): Uncertain significance. Review status: criteria provided, multiple submitters, no conflicts (2 of 4 stars). 2 submissions from 2 submitters: Uncertain significance (2). Last evaluated 2024-02-29.

Conditions:
Hennekam lymphangiectasia-lymphedema syndrome 2 (HKLLS2). Identifiers: Orphanet 2136, MedGen C4014939, MONDO:0014454, OMIM 616006.
Van Maldergem syndrome 2 (VMLDS2). Identifiers: Orphanet 314679, MedGen C3809875, MONDO:0014242, OMIM 615546.

Allele frequency attached by ClinVar (database versions not stated): gnomAD exomes below 0.00001; ExAC 0.00001; TOPMed 0.00002; ESP Exome Variant Server 0.00008.
gnomAD v4.1: 1 of 1,614,088 alleles (0.000062%); highest among the groups gnomAD compares: Non-Finnish European, 0.000085%; no homozygotes.

Submissions (2):

Fulgent Genetics
Classification: Uncertain significance for Van Maldergem syndrome 2; Hennekam lymphangiectasia-lymphedema syndrome 2. Last evaluated: 2024-02-29. Review status: criteria provided, single submitter. Criteria: ACMG Guidelines, 2015. Collection method: clinical testing. Allele origin: germline.

Clinical Genomics Laboratory, Washington University in St. Louis
Classification: Uncertain significance for Van Maldergem syndrome 2. Last evaluated: 2023-08-07. Review status: criteria provided, single submitter. Criteria: ACMG Guidelines, 2015. Collection method: clinical testing. Allele origin: germline.
Comment: The FAT4 c.13247T>A ( p.Leu4416Gln) variant was identified at near heterozygous allelic fraction. This variant, to our knowledge, has not been reported in the medical literature. The FAT4 c.13247T>A ( p.Leu4416Gln) variant is absent from the general population (gnomAD v.2.1.1), indicating it is not a common variant. Computational predictors are conflicting as to the impact of this variant on the FAT4 function. Due to limited information and based on ACMG/AMP guidelines for variant interpretation (Richards S et al., PMID: 25741868), the clinical significance of this variant is uncertain at this time.